The following is an entry in ClinVar:

ClinVar aggregate classification (germline): Uncertain significance (1 of 4 stars; one submission).

Conditions:
Inborn genetic diseases. Identifiers: MedGen C0950123, MeSH D030342.

Submission:

Ambry Genetics
Classification: Uncertain significance for Inborn genetic diseases. Last evaluated: 2026-03-06. Review status: criteria provided, single submitter. Criteria: Ambry Variant Classification Scheme 2023. Collection method: clinical testing. Allele origin: germline.
Comment: The p.Q221R variant (also known as c.662A>G), located in coding exon 6 of the USB1 gene, results from an A to G substitution at nucleotide position 662. The glutamine at codon 221 is replaced by arginine, an amino acid with highly similar properties. This amino acid position is conserved. In addition, this alteration is predicted to be tolerated by in silico analysis. Based on the available evidence, the clinical significance of this variant remains unclear.

NM_024598.4(USB1):c.662A>G (p.Gln221Arg)

Gene: USB1 (U6 snRNA biogenesis phosphodiesterase 1; plus strand). Cytogenetic location: 16q21.
Variant type: single nucleotide variant.
Coding change: c.662A>G on transcript NM_024598.4 (MANE Select); coding-DNA position 662, A replaced by G.
Protein change: p.Gln221Arg; replaces glutamine 221 with arginine.
Molecular consequence: missense variant.
Genome position (GRCh38, 1-based): chr16:58,019,024, A>G. VCF-style: chr16-58019024-A-G. GRCh37 (hg19) VCF-style: chr16-58052928-A-G.
Other names: c.608A>G, p.Gln203Arg (NM_001195302.2); c.509A>G, p.Gln170Arg (NM_001330568.2); short protein forms Q203R, Q221R, Q170R.
Identifiers: ClinVar variation 4827065 (VCV004827065.1).